The following is an entry in ClinVar:

ClinVar aggregate classification (germline): Uncertain significance (1 of 4 stars; one submission).

Conditions:
Cardiovascular phenotype. Identifiers: MedGen CN230736.

Allele frequency attached by ClinVar (database versions not stated): TOPMed below 0.00001.

Submission:

Ambry Genetics
Classification: Uncertain significance for Cardiovascular phenotype. Last evaluated: 2022-08-22. Review status: criteria provided, single submitter. Criteria: Ambry Variant Classification Scheme 2023. Collection method: clinical testing. Allele origin: germline.
Comment: The p.F3724C variant (also known as c.11171T>G), located in coding exon 42 of the ANK2 gene, results from a T to G substitution at nucleotide position 11171. The phenylalanine at codon 3724 is replaced by cysteine, an amino acid with highly dissimilar properties. This amino acid position is conserved. In addition, the in silico prediction for this alteration is inconclusive. Since supporting evidence is limited at this time, the clinical significance of this alteration remains unclear.

NM_001148.6(ANK2):c.11171T>G (p.Phe3724Cys)

Gene: ANK2 (ankyrin 2; plus strand). Cytogenetic location: 4q26.
Variant type: single nucleotide variant.
Coding change: c.11171T>G on transcript NM_001148.6 (MANE Select); coding-DNA position 11171, T replaced by G.
Protein change: p.Phe3724Cys; replaces phenylalanine 3724 with cysteine.
Molecular consequence: missense variant.
Genome position (GRCh38, 1-based): chr4:113,367,704, T>G. VCF-style: chr4-113367704-T-G. GRCh37 (hg19) VCF-style: chr4-114288860-T-G.
Other names: c.4889T>G, p.Phe1630Cys (NM_001127493.3); c.4928T>G, p.Phe1643Cys (NM_001354225.2); c.4817T>G, p.Phe1606Cys (NM_001354228.2, NM_001354258.2); c.4895T>G, p.Phe1632Cys (NM_001354230.2); c.4958T>G, p.Phe1653Cys (NM_001354231.2, NM_001354242.2); c.4952T>G, p.Phe1651Cys (NM_001354232.2); c.4913T>G, p.Phe1638Cys (NM_001354235.2, NM_001354246.2, NM_001354265.2); c.4814T>G, p.Phe1605Cys (NM_001354236.2); and 35 more; short protein forms F1511C, F1573C, F1584C, F1594C, F1617C, F1629C, F1634C, F1654C.
Identifiers: ClinVar variation 1796440 (VCV001796440.2), dbSNP rs772917225, ClinGen allele CA357942119.